The following is an entry in ClinVar:

ClinVar aggregate classification (germline): Likely benign (0 of 4 stars; one submission).

Conditions:
DYNC2I1-related disorder. Also called: DYNC2I1-related condition.

Allele frequency attached by ClinVar (database versions not stated): TOPMed below 0.00001; gnomAD 0.00001.
gnomAD v4.1: 12 of 1,594,552 alleles (0.00075%); highest among the groups gnomAD compares: Non-Finnish European, 0.001%; no homozygotes.

Submission:

PreventionGenetics, part of Exact Sciences
Classification: Likely benign for DYNC2I1-related condition. Last evaluated: 2019-09-11. Review status: no assertion criteria provided. Collection method: clinical testing. Allele origin: germline.
Comment: This variant is classified as likely benign based on ACMG/AMP sequence variant interpretation guidelines (Richards et al. 2015 PMID: 25741868, with internal and published modifications).

NM_018051.5(DYNC2I1):c.2779-4A>T

Gene: DYNC2I1 (dynein 2 intermediate chain 1; plus strand). Cytogenetic location: 7q36.3.
Variant type: single nucleotide variant.
Coding change: c.2779-4A>T on transcript NM_018051.5 (MANE Select); 4 bases into the intron before coding-DNA position 2779, A replaced by T.
Molecular consequence: intron variant.
Genome position (GRCh38, 1-based): chr7:158,941,921, A>T. VCF-style: chr7-158941921-A-T. GRCh37 (hg19) VCF-style: chr7-158734612-A-T.
Other names: c.2641-4A>T (NM_001350914.2); c.1531-4A>T (NM_001350918.2, NM_001350917.2); c.1318-4A>T (NM_001350916.2); c.2206-4A>T (NM_001350915.2).
Identifiers: ClinVar variation 3040873 (VCV003040873.2), dbSNP rs1454747623, ClinGen allele CA579161021.
Genomic context (GRCh38, chr7:158,941,921, plus strand): 5'-AGTGAGACCCTGTCTCAAAAAGAAAAAGGCCATGCTCAGCAGTGTTCTTTCTTCCTGGTC[A>T]TAGGCCGGCTGTTCGGACGGAAGCATCAGGCTGCACCAGCTGAGCTCCGCGTTTCCGCTC-3'